The following is an entry in ClinVar:

NM_001048174.2(MUTYH):c.1276C>G (p.Gln426Glu)

Gene: MUTYH (mutY DNA glycosylase; minus strand). Cytogenetic location: 1p34.1.
Variant type: single nucleotide variant.
Coding change: c.1276C>G on transcript NM_001048174.2 (MANE Select); coding-DNA position 1276, C replaced by G.
Protein change: p.Gln426Glu; replaces glutamine 426 with glutamic acid.
Molecular consequence: missense variant. On other transcripts: non-coding transcript variant (2).
Genome position (GRCh38, 1-based): chr1:45,331,298, G>C on the plus strand (C>G on the coding strand, the complement: MUTYH is on the minus strand). VCF-style: chr1-45331298-G-C. GRCh37 (hg19) VCF-style: chr1-45796970-G-C.
Other names: c.1276C>G, p.Gln426Glu (NM_001048171.2, NM_001048173.2, NM_001293195.2); c.1279C>G, p.Gln427Glu (NM_001048172.2); c.1360C>G, p.Gln454Glu (NM_001128425.2); c.1321C>G, p.Gln441Glu (NM_001293190.2); c.1309C>G, p.Gln437Glu (NM_001293191.2); c.1000C>G, p.Gln334Glu (NM_001293192.2, NM_001293196.2); c.931C>G, p.Gln311Glu (NM_001350650.2, NM_001350651.2); c.1351C>G, p.Gln451Glu (NM_012222.3); short protein forms Q311E, Q451E, Q334E, Q426E, Q437E, Q441E, Q427E, Q454E.
Identifiers: ClinVar variation 919111 (VCV000919111.15), dbSNP rs769152217, ClinGen allele CA056224.

ClinVar aggregate classification (germline): Uncertain significance. Review status: criteria provided, multiple submitters, no conflicts (2 of 4 stars). 3 submissions from 3 submitters: Uncertain significance (3). Last evaluated 2025-10-14.

Conditions:
Familial adenomatous polyposis 2. Also called: Adenomas, multiple colorectal; MUTYH Polyposis; COLORECTAL ADENOMATOUS POLYPOSIS, AUTOSOMAL RECESSIVE; ADENOMAS, MULTIPLE COLORECTAL, AUTOSOMAL RECESSIVE; MUTYH-associated polyposis; MUTYH-related attenuated familial adenomatous polyposis. Identifiers: Orphanet 220460, Orphanet 247798, MedGen C3272841, MONDO:0012041, OMIM 608456.
Hereditary cancer-predisposing syndrome. Also called: Neoplastic Syndromes, Hereditary; Tumor predisposition; Hereditary Cancer Syndrome; Hereditary neoplastic syndrome. Identifiers: Orphanet 140162, MedGen C0027672, MeSH D009386, MONDO:0015356.

Allele frequency attached by ClinVar (database versions not stated): gnomAD exomes 0.00001; ExAC 0.00002.
gnomAD v4.1: 4 of 1,614,176 alleles (0.00025%); highest among the groups gnomAD compares: Non-Finnish European, 0.00034%; no homozygotes.

Submissions (3):

Ambry Genetics
Classification: Uncertain significance for Hereditary cancer-predisposing syndrome. Last evaluated: 2025-10-14. Review status: criteria provided, single submitter. Criteria: Ambry Variant Classification Scheme 2023. Collection method: clinical testing. Allele origin: germline.
Comment: The p.Q454E variant (also known as c.1360C>G), located in coding exon 14 of the MUTYH gene, results from a C to G substitution at nucleotide position 1360. The glutamine at codon 454 is replaced by glutamic acid, an amino acid with highly similar properties. This amino acid position is poorly conserved in available vertebrate species. In addition, the in silico prediction for this alteration is inconclusive. Since supporting evidence is limited at this time, the clinical significance of this variant remains unclear.

Labcorp Genetics (formerly Invitae), Labcorp
Classification: Uncertain significance for Familial adenomatous polyposis 2. Last evaluated: 2023-03-01. Review status: criteria provided, single submitter. Criteria: Invitae Variant Classification Sherloc (09022015). Collection method: clinical testing. Allele origin: germline.
Comment: ClinVar contains an entry for this variant (Variation ID: 919111). This sequence change replaces glutamine, which is neutral and polar, with glutamic acid, which is acidic and polar, at codon 454 of the MUTYH protein (p.Gln454Glu). This variant is present in population databases (rs769152217, gnomAD 0.003%). This variant has not been reported in the literature in individuals affected with MUTYH-related conditions. Algorithms developed to predict the effect of missense changes on protein structure and function output the following: SIFT: "Not Available"; PolyPhen-2: "Benign"; Align-GVGD: "Not Available". The glutamic acid amino acid residue is found in multiple mammalian species, which suggests that this missense change does not adversely affect protein function. In summary, the available evidence is currently insufficient to determine the role of this variant in disease. Therefore, it has been classified as a Variant of Uncertain Significance.

Color Diagnostics, LLC DBA Color Health
Classification: Uncertain significance for Hereditary cancer-predisposing syndrome. Last evaluated: 2019-01-24. Review status: criteria provided, single submitter. Criteria: ACMG Guidelines, 2015. Collection method: clinical testing. Allele origin: germline.